The following is an entry in ClinVar:

ClinVar aggregate classification (germline): Uncertain significance. Review status: criteria provided, multiple submitters, no conflicts (2 of 4 stars). 2 submissions from 2 submitters: Uncertain significance (2). Last evaluated 2023-11-13.

Conditions:
Familial cancer of breast. Also called: BREAST CANCER, FAMILIAL; Hereditary breast cancer; hereditary breast carcinoma. Identifiers: Orphanet 227535, MedGen C0346153, MONDO:0016419, OMIM 114480. Disease mechanism: loss of function.
Ataxia-telangiectasia syndrome (AT). Also called: ATAXIA-TELANGIECTASIA, COMPLEMENTATION GROUP A; ATAXIA-TELANGIECTASIA, FRESNO VARIANT; Ataxia-telangiectasia, complementation group D; AT, COMPLEMENTATION GROUP C; Ataxia-telangiectasia; LOUIS-BAR SYNDROME. Identifiers: Orphanet 100, MedGen C0004135, MONDO:0008840, OMIM 208900.

Submissions (2):

Baylor Genetics
Classification: Uncertain significance for Familial cancer of breast. Last evaluated: 2023-11-13. Review status: criteria provided, single submitter. Criteria: ACMG Guidelines, 2015. Collection method: clinical testing. Allele origin: unknown.

Labcorp Genetics (formerly Invitae), Labcorp
Classification: Uncertain significance for Ataxia-telangiectasia syndrome. Last evaluated: 2023-03-18. Review status: criteria provided, single submitter. Criteria: Invitae Variant Classification Sherloc (09022015). Collection method: clinical testing. Allele origin: germline.
Comment: This sequence change replaces proline, which is neutral and non-polar, with alanine, which is neutral and non-polar, at codon 1069 of the ATM protein (p.Pro1069Ala). In summary, the available evidence is currently insufficient to determine the role of this variant in disease. Therefore, it has been classified as a Variant of Uncertain Significance. An algorithm developed to predict the effect of missense changes on protein structure and function (PolyPhen-2) suggests that this variant is likely to be tolerated. ClinVar contains an entry for this variant (Variation ID: 1951153). This variant has not been reported in the literature in individuals affected with ATM-related conditions. This variant is not present in population databases (gnomAD no frequency).

NM_000051.4(ATM):c.3205C>G (p.Pro1069Ala)

Gene: ATM (ATM serine/threonine kinase; plus strand). Cytogenetic location: 11q22.3.
Variant type: single nucleotide variant.
Coding change: c.3205C>G on transcript NM_000051.4 (MANE Select); coding-DNA position 3205, C replaced by G.
Protein change: p.Pro1069Ala; replaces proline 1069 with alanine.
Molecular consequence: missense variant.
Genome position (GRCh38, 1-based): chr11:108,272,773, C>G. VCF-style: chr11-108272773-C-G. GRCh37 (hg19) VCF-style: chr11-108143500-C-G.
Other names: c.3205C>G, p.Pro1069Ala (NM_001351834.2); short protein forms P1069A.
Identifiers: ClinVar variation 1951153 (VCV001951153.6), dbSNP rs751714261, ClinGen allele CA382515779.